The following is an entry in ClinVar:

ClinVar aggregate classification (germline): Uncertain significance (1 of 4 stars; one submission).

Conditions:
Hereditary cancer-predisposing syndrome. Also called: Tumor predisposition; Hereditary neoplastic syndrome; Neoplastic Syndromes, Hereditary; Hereditary Cancer Syndrome. Identifiers: Orphanet 140162, MedGen C0027672, MeSH D009386, MONDO:0015356.

Submission:

Ambry Genetics
Classification: Uncertain significance for Hereditary cancer-predisposing syndrome. Last evaluated: 2021-03-24. Review status: criteria provided, single submitter. Criteria: Ambry Variant Classification Scheme 2023. Collection method: clinical testing. Allele origin: germline.
Comment: The p.N450T variant (also known as c.1349A>C), located in coding exon 4 of the PALB2 gene, results from an A to C substitution at nucleotide position 1349. The asparagine at codon 450 is replaced by threonine, an amino acid with similar properties. This amino acid position is not well conserved in available vertebrate species. In addition, this alteration is predicted to be tolerated by in silico analysis. Since supporting evidence is limited at this time, the clinical significance of this alteration remains unclear.

NM_024675.4(PALB2):c.1349A>C (p.Asn450Thr)

Gene: PALB2 (partner and localizer of BRCA2; minus strand). Cytogenetic location: 16p12.2.
Variant type: single nucleotide variant.
Coding change: c.1349A>C on transcript NM_024675.4 (MANE Select); coding-DNA position 1349, A replaced by C.
Protein change: p.Asn450Thr; replaces asparagine 450 with threonine.
Molecular consequence: missense variant.
Genome position (GRCh38, 1-based): chr16:23,635,197, T>G on the plus strand (A>C on the coding strand, the complement: PALB2 is on the minus strand). VCF-style: chr16-23635197-T-G. GRCh37 (hg19) VCF-style: chr16-23646518-T-G.
Other names: short protein forms N450T.
Identifiers: ClinVar variation 818918 (VCV000818918.4), dbSNP rs1597096335, ClinGen allele CA395132190.
Genomic context (GRCh38, chr16:23,635,197, plus strand): 5'-GTGCATGTGCCAGACATCCTAATTTCACTTTGGTCAGTTTCCTCATTGGAAAGGTTTAAA[T>G]TTTTACTTGCATCCTTATTTTTATTTTTAAACCCTTTTTTCTTGACATCCAAATGACTCT-3'
Protein context (NP_078951.2, residues 440-460): FKNKNKDASK[Asn450Thr]LNLSNEETDQ